The following is an entry in ClinVar:

NM_000512.5(GALNS):c.764G>C (p.Gly255Ala)

Gene: GALNS (galactosamine (N-acetyl)-6-sulfatase; minus strand). Cytogenetic location: 16q24.3.
Variant type: single nucleotide variant.
Coding change: c.764G>C on transcript NM_000512.5 (MANE Select); coding-DNA position 764, G replaced by C.
Protein change: p.Gly255Ala; replaces glycine 255 with alanine.
Molecular consequence: missense variant.
Genome position (GRCh38, 1-based): chr16:88,835,347, C>G on the plus strand (G>C on the coding strand, the complement: GALNS is on the minus strand). VCF-style: chr16-88835347-C-G. GRCh37 (hg19) VCF-style: chr16-88901755-C-G.
Other names: c.209G>C, p.Gly70Ala (NM_001323543.2); c.782G>C, p.Gly261Ala (NM_001323544.2); short protein forms G70A, G255A, G261A.
Identifiers: ClinVar variation 873057 (VCV000873057.3), dbSNP rs1912009292, ClinGen allele CA397079122.

ClinVar aggregate classification (germline): Likely pathogenic (1 of 4 stars; one submission).

Conditions:
Mucopolysaccharidosis, MPS-IV-A (MPS4A). Also called: MPS IVA; Morquio syndrome A, mild; GALACTOSAMINE-6-SULFATASE DEFICIENCY; GALNS DEFICIENCY; MORQUIO A DISEASE; Mucopolysaccharidosis type IV A. Identifiers: Orphanet 309297, Orphanet 582, MedGen C0086651, MONDO:0009659, OMIM 253000.

Submission:

Foundation for Research in Genetics and Endocrinology, FRIGE's Institute of Human Genetics
Classification: Likely pathogenic for Mucopolysaccharidosis, MPS-IV-A. Review status: criteria provided, single submitter. Criteria: ACMG Guidelines, 2015. Collection method: clinical testing. Allele origin: germline. Inheritance: Autosomal recessive inheritance. Affected: yes. Observed: 1 compound heterozygote.
Comment: A compound heterozygous missense variation in exon 8 of the GALNS gene that results in the amino acid substitution of Alanine for Glycine at codon 255 was detected. The observed variant c.764G>C (p.Gly255Ala) has not been reported in the 1000 genomes, gnomAD and ExAC databases. The in silico prediction of the variant is damaging by LRT and MutationTaster2. The reference codon is conserved across species. In summary, the variant meets our criteria to be classified as likely pathogenic.